The following is an entry in ClinVar:

ClinVar aggregate classification (germline): Pathogenic (1 of 4 stars; one submission).

Conditions:
KBG syndrome (KBGS). Also called: ANKRD11-Related KBG Syndrome. Identifiers: Orphanet 2332, MedGen C0220687, MONDO:0007846, OMIM 148050.

Submission:

Umrani?ye Training and Research Hospital
Classification: Pathogenic for KBG syndrome. Last evaluated: 2026-06-29. Review status: criteria provided, single submitter. Criteria: ACMG Guidelines, 2015. Collection method: clinical testing. Allele origin: germline. Inheritance: Autosomal dominant inheritance. Affected: yes.
Comment: PVS1, PM2, PM6

Literature cited by the submitters: PubMed 42808190.

NM_013275.6(ANKRD11):c.3717del (p.Glu1240fs)

Gene: ANKRD11 (ankyrin repeat domain 11; minus strand). Cytogenetic location: 16q24.3.
Variant type: Deletion.
Coding change: c.3717del on transcript NM_013275.6 (MANE Select); coding-DNA position 3717, one base deleted (C; older notation c.3717delC).
Protein change: p.Glu1240fs; shifts the reading frame from glutamic acid 1240.
Molecular consequence: frameshift variant.
Genome position (GRCh38, 1-based): chr16:89,282,825, G deleted on the plus strand (C on the coding strand, the reverse complement: ANKRD11 is on the minus strand); the first of 4 consecutive G bases (chr16:89,282,825-89,282,828); deleting any one gives the same sequence. VCF-style (leftmost placement, unchanged base first): chr16-89282824-CG-C. GRCh37 (hg19) VCF-style: chr16-89349232-CG-C.
Other names: NP_037407.4:p.(Glu1240ArgfsTer78); c.3717del, p.Glu1240fs (NM_001256182.2, NM_001256183.2); short protein forms E1240fs.
Identifiers: ClinVar variation 4876221 (VCV004876221.1).
Genomic context (GRCh38, chr16:89,282,824, plus strand): 5'-ACTTCTCTTTGTGTTTGCTTTTAGCCTTGTCTTCGGCAGCGTGCTTCTTTTCAGCCTTCT[CG>C]GGGAGCTTCTGTTTATTTTTCTTATCTTGCGTGGAGTCCACTGAGGCTCTGTCCTTCCTG-3'